The following is an entry in ClinVar:

ClinVar aggregate classification (germline): Uncertain significance (1 of 4 stars; one submission).

Submission:

Labcorp Genetics (formerly Invitae), Labcorp
Classification: Uncertain significance. Last evaluated: 2025-02-15. Review status: criteria provided, single submitter. Criteria: Invitae Variant Classification Sherloc (09022015). Collection method: clinical testing. Allele origin: germline.
Comment: This sequence change replaces glycine, which is neutral and non-polar, with arginine, which is basic and polar, at codon 115 of the WFS1 protein (p.Gly115Arg). This variant is not present in population databases (gnomAD no frequency). This variant has not been reported in the literature in individuals affected with WFS1-related conditions. ClinVar contains an entry for this variant (Variation ID: 2176791). Invitae Evidence Modeling of protein sequence and biophysical properties (such as structural, functional, and spatial information, amino acid conservation, physicochemical variation, residue mobility, and thermodynamic stability) indicates that this missense variant is not expected to disrupt WFS1 protein function with a negative predictive value of 80%. In summary, the available evidence is currently insufficient to determine the role of this variant in disease. Therefore, it has been classified as a Variant of Uncertain Significance.

NM_006005.3(WFS1):c.343G>C (p.Gly115Arg)

Gene: WFS1 (wolframin ER transmembrane glycoprotein; plus strand). Cytogenetic location: 4p16.1.
Variant type: single nucleotide variant.
Coding change: c.343G>C on transcript NM_006005.3 (MANE Select); coding-DNA position 343, G replaced by C.
Protein change: p.Gly115Arg; replaces glycine 115 with arginine.
Molecular consequence: missense variant.
Genome position (GRCh38, 1-based): chr4:6,289,014, G>C. VCF-style: chr4-6289014-G-C. GRCh37 (hg19) VCF-style: chr4-6290741-G-C.
Other names: c.343G>C, p.Gly115Arg (NM_001145853.1); short protein forms G115R.
Identifiers: ClinVar variation 2176791 (VCV002176791.4), dbSNP rs780727054, ClinGen allele CA356171322.